The following is an entry in ClinVar:

ClinVar aggregate classification (germline): Likely pathogenic (1 of 4 stars; one submission).

Conditions:
Hypercholanemia, familial, 2. Also called: NTCP deficiency. Identifiers: MedGen C5543243, MONDO:0031003, OMIM 619256. Disease mechanism: loss of function.

gnomAD v4.1: 12 of 1,611,244 alleles (0.00074%); highest among the groups gnomAD compares: Middle Eastern, 0.033%; no homozygotes.

Submission:

First Genomix Gene Laboratory, Genetic Diagnostics Department
Classification: Likely pathogenic for Hypercholanemia, familial, 2. Last evaluated: 2025-06-16. Review status: criteria provided, single submitter. Criteria: ACMG Guidelines, 2015. Collection method: clinical testing. Allele origin: germline. Inheritance: Autosomal recessive inheritance. Affected: no. Observed: 1 variant allele.

NM_003049.4(SLC10A1):c.356+2T>G

Gene: SLC10A1 (solute carrier family 10 member 1; minus strand). Cytogenetic location: 14q24.1.
Variant type: single nucleotide variant.
Coding change: c.356+2T>G on transcript NM_003049.4 (MANE Select); the canonical splice donor site of the intron after coding-DNA position 356, T replaced by G.
Molecular consequence: splice donor variant.
Genome position (GRCh38, 1-based): chr14:69,796,798, A>C on the plus strand (T>G on the coding strand, the complement: SLC10A1 is on the minus strand). VCF-style: chr14-69796798-A-C. GRCh37 (hg19) VCF-style: chr14-70263515-A-C.
Identifiers: ClinVar variation 4849384 (VCV004849384.1).